The following is an entry in ClinVar:

ClinVar aggregate classification (germline): Uncertain significance. Review status: criteria provided, multiple submitters, no conflicts (2 of 4 stars). 5 submissions from 5 submitters: Uncertain significance (5). Last evaluated 2025-11-09.

Conditions:
Facial dysmorphism-immunodeficiency-livedo-short stature syndrome. Also called: Facial dysmorphism, immunodeficiency, livedo, and short stature; FILS syndrome. Identifiers: Orphanet 352712, MedGen C3554576, MONDO:0014058, OMIM 615139.
Colorectal cancer, susceptibility to, 12 (CRCS12). Also called: COLORECTAL CANCER, SUSCEPTIBILITY TO, ON CHROMOSOME 12q24. Identifiers: Orphanet 220460, MedGen C3554460, MONDO:0014038, OMIM 615083.
Intrauterine growth retardation, metaphyseal dysplasia, adrenal hypoplasia congenita, genital anomalies, and immunodeficiency. Also called: IMAGEI SYNDROME. Identifiers: MedGen C5193036, MONDO:0032684, OMIM 618336.
Hereditary cancer-predisposing syndrome. Also called: Hereditary neoplastic syndrome; Neoplastic Syndromes, Hereditary; Hereditary Cancer Syndrome; Tumor predisposition. Identifiers: Orphanet 140162, MedGen C0027672, MeSH D009386, MONDO:0015356.

Allele frequency attached by ClinVar (database versions not stated): gnomAD exomes below 0.00001 and 0.00001; TOPMed 0.00001.
gnomAD v4.1: 7 of 1,614,112 alleles (0.00043%); highest among the groups gnomAD compares: Non-Finnish European, 0.00059%; no homozygotes.

Submissions (5):

Labcorp Genetics (formerly Invitae), Labcorp
Classification: Uncertain significance. Last evaluated: 2025-11-09. Review status: criteria provided, single submitter. Criteria: Invitae Variant Classification Sherloc (09022015). Collection method: clinical testing. Allele origin: germline.
Comment: This sequence change replaces glutamic acid, which is acidic and polar, with lysine, which is basic and polar, at codon 1409 of the POLE protein (p.Glu1409Lys). This variant is present in population databases (no rsID available, gnomAD 0.002%). This missense change has been observed in individual(s) with clinical features of POLE-related conditions (PMID: 34326862). ClinVar contains an entry for this variant (Variation ID: 405783). Invitae Evidence Modeling of protein sequence and biophysical properties (such as structural, functional, and spatial information, amino acid conservation, physicochemical variation, residue mobility, and thermodynamic stability) indicates that this missense variant is not expected to disrupt POLE protein function with a negative predictive value of 80%. In summary, the available evidence is currently insufficient to determine the role of this variant in disease. Therefore, it has been classified as a Variant of Uncertain Significance.

Ambry Genetics
Classification: Uncertain significance for Hereditary cancer-predisposing syndrome. Last evaluated: 2024-12-18. Review status: criteria provided, single submitter. Criteria: Ambry Variant Classification Scheme 2023. Collection method: clinical testing. Allele origin: germline.
Comment: The p.E1409K variant (also known as c.4225G>A), located in coding exon 33 of the POLE gene, results from a G to A substitution at nucleotide position 4225. The glutamic acid at codon 1409 is replaced by lysine, an amino acid with similar properties. This amino acid position is conserved. In addition, the in silico prediction for this alteration is inconclusive. Based on the available evidence, the clinical significance of this variant remains unclear.

GeneDx
Classification: Uncertain significance. Last evaluated: 2022-02-01. Review status: criteria provided, single submitter. Criteria: GeneDx Variant Classification Process June 2021. Collection method: clinical testing. Allele origin: germline. Affected: yes.
Comment: Not observed at significant frequency in large population cohorts (gnomAD); In silico analysis supports that this missense variant does not alter protein structure/function; Has not been previously published as pathogenic or benign to our knowledge

Department of Pathology and Laboratory Medicine, Sinai Health System
Classification: Uncertain significance for Colorectal cancer, susceptibility to, 12; Facial dysmorphism-immunodeficiency-livedo-short stature syndrome; Intrauterine growth retardation, metaphyseal dysplasia, adrenal hypoplasia congenita, genital anomalies, and immunodeficiency. Last evaluated: 2019-12-31. Review status: criteria provided, single submitter. Criteria: ACMG Guidelines, 2015. Collection method: clinical testing. Allele origin: germline. Affected: no.

Blueprint Genetics
Classification: Uncertain significance. Last evaluated: 2019-03-22. Review status: criteria provided, single submitter. Criteria: ACMG Guidelines, 2015. Collection method: clinical testing. Allele origin: germline.

Literature cited by the submitters: PubMed 34326862 (cited by Labcorp Genetics (formerly Invitae), Labcorp).

NM_006231.4(POLE):c.4225G>A (p.Glu1409Lys)

Gene: POLE (DNA polymerase epsilon, catalytic subunit; minus strand). Cytogenetic location: 12q24.33.
Variant type: single nucleotide variant.
Coding change: c.4225G>A on transcript NM_006231.4 (MANE Select); coding-DNA position 4225, G replaced by A.
Protein change: p.Glu1409Lys; replaces glutamic acid 1409 with lysine.
Molecular consequence: missense variant.
Genome position (GRCh38, 1-based): chr12:132,643,902, C>T on the plus strand (G>A on the coding strand, the complement: POLE is on the minus strand). VCF-style: chr12-132643902-C-T. GRCh37 (hg19) VCF-style: chr12-133220488-C-T.
Other names: short protein forms E1409K.
Identifiers: ClinVar variation 405783 (VCV000405783.20), dbSNP rs1060500845, ClinGen allele CA16613859.